The following is an entry in ClinVar:

NM_000548.5(TSC2):c.1922G>T (p.Ser641Ile)

Gene: TSC2 (TSC complex subunit 2; plus strand). Cytogenetic location: 16p13.3.
Variant type: single nucleotide variant.
Coding change: c.1922G>T on transcript NM_000548.5 (MANE Select); coding-DNA position 1922, G replaced by T.
Protein change: p.Ser641Ile; replaces serine 641 with isoleucine.
Molecular consequence: missense variant.
Genome position (GRCh38, 1-based): chr16:2,071,592, G>T. VCF-style: chr16-2071592-G-T. GRCh37 (hg19) VCF-style: chr16-2121593-G-T.
Other names: c.1922G>T, p.Ser641Ile (NM_001077183.3, NM_001114382.3, NM_001363528.2 and 3 more transcripts); c.1811G>T, p.Ser604Ile (NM_001318827.2); c.1775G>T, p.Ser592Ile (NM_001318829.2); c.1322G>T, p.Ser441Ile (NM_001318831.2); c.1955G>T, p.Ser652Ile (NM_001318832.2); short protein forms S641I, S441I, S604I, S592I, S652I.
Identifiers: ClinVar variation 64952 (VCV000064952.5), dbSNP rs397514964, ClinGen allele CA016207.

ClinVar aggregate classification (germline): Conflicting classifications of pathogenicity. Review status: criteria provided, conflicting classifications (1 of 4 stars). 3 submissions from 3 submitters: Likely pathogenic (1); Benign (1). 1 of the submissions does not count toward it. Last evaluated 2025-12-01.

Conditions:
Tuberous sclerosis 2 (TSC2). Identifiers: Orphanet 805, MedGen C1860707, MONDO:0013199, OMIM 613254.
Hereditary cancer-predisposing syndrome. Also called: Tumor predisposition; Hereditary Cancer Syndrome; Neoplastic Syndromes, Hereditary; Hereditary neoplastic syndrome. Identifiers: Orphanet 140162, MedGen C0027672, MeSH D009386, MONDO:0015356.
Tuberous sclerosis syndrome (TSC). Also called: Tuberous Sclerosis Complex; Tuberous sclerosis. Identifiers: Orphanet 805, MedGen C0041341, MONDO:0001734.

Allele frequency attached by ClinVar (database versions not stated): ExAC 0.00001; gnomAD 0.00001; gnomAD exomes below 0.00001; TOPMed below 0.00001.
gnomAD v4.1: 2 of 1,613,306 alleles (0.00012%); highest among the groups gnomAD compares: African/African-American, 0.0013%; no homozygotes.

Submissions (3):

Ambry Genetics
Classification: Likely pathogenic for Hereditary cancer-predisposing syndrome. Last evaluated: 2025-12-01. Review status: criteria provided, single submitter. Criteria: Ambry Variant Classification Scheme 2023. Collection method: clinical testing. Allele origin: germline.
Comment: The p.S641I variant (also known as c.1922G>T), located in coding exon 17 of the TSC2 gene, results from a G to T substitution at nucleotide position 1922. The serine at codon 641 is replaced by isoleucine, an amino acid with dissimilar properties. This variant was reported in individuals with features consistent with Tuberous sclerosis complex (Luo C et al. Front Med (Lausanne), 2021 Nov;8:744050; Luo C et al. Orphanet J Rare Dis, 2022 Jul;17:288; LOVD database). This amino acid position is highly conserved in available vertebrate species. In addition, this alteration is predicted to be deleterious by in silico analysis. Based on the majority of available evidence to date, this variant is likely to be pathogenic.

Labcorp Genetics (formerly Invitae), Labcorp
Classification: Benign for Tuberous sclerosis 2. Last evaluated: 2024-03-07. Review status: criteria provided, single submitter. Criteria: Invitae Variant Classification Sherloc (09022015). Collection method: clinical testing. Allele origin: germline.

Tuberous sclerosis database (TSC2)
No classification provided. Condition: TSC. Review status: no classification provided. Criteria: Tuberous Sclerosis Database Assertion Criteria 2015. Collection method: curation. Allele origin: germline. Affected: yes. Not counted in ClinVar's aggregate classification.

Literature cited by the submitters: PubMed 34901059 (cited by Ambry Genetics); PubMed 35870981 (cited by Ambry Genetics).